The following is an entry in ClinVar:

ClinVar aggregate classification (germline): Uncertain significance. Review status: criteria provided, multiple submitters, no conflicts (2 of 4 stars). 2 submissions from 2 submitters: Uncertain significance (2). Last evaluated 2024-12-11.

Conditions:
Inborn genetic diseases. Identifiers: MedGen C0950123, MeSH D030342.

Allele frequency attached by ClinVar (database versions not stated): gnomAD 0.00001 and 0.00002; gnomAD exomes 0.00001; TOPMed 0.00002.
gnomAD v4.1: 8 of 1,613,624 alleles (0.0005%); highest among the groups gnomAD compares: Non-Finnish European, 0.00059%; no homozygotes.

Submissions (2):

Ambry Genetics
Classification: Uncertain significance for Inborn genetic diseases. Last evaluated: 2024-12-11. Review status: criteria provided, single submitter. Criteria: Ambry Variant Classification Scheme 2023. Collection method: clinical testing. Allele origin: germline.

Labcorp Genetics (formerly Invitae), Labcorp
Classification: Uncertain significance. Last evaluated: 2022-07-05. Review status: criteria provided, single submitter. Criteria: Invitae Variant Classification Sherloc (09022015). Collection method: clinical testing. Allele origin: germline.
Comment: Algorithms developed to predict the effect of missense changes on protein structure and function (SIFT, PolyPhen-2, Align-GVGD) all suggest that this variant is likely to be tolerated. In summary, the available evidence is currently insufficient to determine the role of this variant in disease. Therefore, it has been classified as a Variant of Uncertain Significance. ClinVar contains an entry for this variant (Variation ID: 1038386). This variant has not been reported in the literature in individuals affected with TUBGCP6-related conditions. This variant is present in population databases (no rsID available, gnomAD 0.002%). This sequence change replaces cysteine, which is neutral and slightly polar, with arginine, which is basic and polar, at codon 202 of the TUBGCP6 protein (p.Cys202Arg).

NM_020461.4(TUBGCP6):c.604T>C (p.Cys202Arg)

Gene: TUBGCP6 (tubulin gamma complex component 6; minus strand). Cytogenetic location: 22q13.33.
Variant type: single nucleotide variant.
Coding change: c.604T>C on transcript NM_020461.4 (MANE Select); coding-DNA position 604, T replaced by C.
Protein change: p.Cys202Arg; replaces cysteine 202 with arginine.
Molecular consequence: missense variant.
Genome position (GRCh38, 1-based): chr22:50,243,856, A>G on the plus strand (T>C on the coding strand, the complement: TUBGCP6 is on the minus strand). VCF-style: chr22-50243856-A-G. GRCh37 (hg19) VCF-style: chr22-50682285-A-G.
Other names: c.604T>C (NM_020461.3); short protein forms C202R.
Identifiers: ClinVar variation 1038386 (VCV001038386.9), dbSNP rs1042921404, ClinGen allele CA325485070.